The following is an entry in ClinVar:

ClinVar aggregate classification (germline): Uncertain significance (1 of 4 stars; one submission).

Conditions:
Hereditary cancer-predisposing syndrome. Also called: Hereditary neoplastic syndrome; Neoplastic Syndromes, Hereditary; Tumor predisposition; Hereditary Cancer Syndrome. Identifiers: Orphanet 140162, MedGen C0027672, MeSH D009386, MONDO:0015356.

Submission:

Ambry Genetics
Classification: Uncertain significance for Hereditary cancer-predisposing syndrome. Last evaluated: 2025-07-05. Review status: criteria provided, single submitter. Criteria: Ambry Variant Classification Scheme 2023. Collection method: clinical testing. Allele origin: germline.
Comment: The p.K74R variant (also known as c.221A>G), located in coding exon 2 of the PTCH1 gene, results from an A to G substitution at nucleotide position 221. The lysine at codon 74 is replaced by arginine, an amino acid with highly similar properties. This amino acid position is conserved. In addition, the in silico prediction for this alteration is inconclusive. Based on the available evidence, the clinical significance of this variant remains unclear.

NM_000264.5(PTCH1):c.221A>G (p.Lys74Arg)

Gene: PTCH1 (patched 1; minus strand). Cytogenetic location: 9q22.32.
Variant type: single nucleotide variant.
Coding change: c.221A>G on transcript NM_000264.5 (MANE Select); coding-DNA position 221, A replaced by G.
Protein change: p.Lys74Arg; replaces lysine 74 with arginine.
Molecular consequence: missense variant. On other transcripts: 5 prime UTR variant (4), non-coding transcript variant (1).
Genome position (GRCh38, 1-based): chr9:95,506,580, T>C on the plus strand (A>G on the coding strand, the complement: PTCH1 is on the minus strand). VCF-style: chr9-95506580-T-C. GRCh37 (hg19) VCF-style: chr9-98268862-T-C.
Other names: c.23A>G, p.Lys8Arg (NM_001083602.3, NM_001354919.2); c.218A>G, p.Lys73Arg (NM_001083603.3); c.-233A>G (NM_001083604.3, NM_001083605.3, NM_001083606.3 and 1 more transcripts); c.221A>G, p.Lys74Arg (NM_001354918.2); short protein forms K73R, K74R, K8R.
Identifiers: ClinVar variation 4146857 (VCV004146857.1).